The following is an entry in ClinVar:

ClinVar aggregate classification (germline): Pathogenic. Review status: criteria provided, multiple submitters, no conflicts (2 of 4 stars). 3 submissions from 3 submitters: Pathogenic (3). Last evaluated 2024-10-04.

Conditions:
Anterior segment dysgenesis 8 (ASGD8). Identifiers: Orphanet 519388, MedGen C4310622, MONDO:0015017, OMIM 617319.
CPAMD8-related disorders.

Allele frequency attached by ClinVar (database versions not stated): gnomAD 0.00004; TOPMed 0.00005; gnomAD exomes 0.00006; ExAC 0.00009; ESP Exome Variant Server 0.00016.
gnomAD v4.1: 94 of 1,612,370 alleles (0.0058%); highest among the groups gnomAD compares: Non-Finnish European, 0.0071%; no homozygotes.

Submissions (3):

Blueprint Genetics
Classification: Pathogenic for CPAMD8-related disorders. Last evaluated: 2024-10-04. Review status: criteria provided, single submitter. Criteria: ACMG Guidelines, 2015. Collection method: clinical testing. Allele origin: germline. Affected: yes. Observed: 5 variant alleles.

Labcorp Genetics (formerly Invitae), Labcorp
Classification: Pathogenic. Last evaluated: 2022-10-11. Review status: criteria provided, single submitter. Criteria: Invitae Variant Classification Sherloc (09022015). Collection method: clinical testing. Allele origin: germline.
Comment: For these reasons, this variant has been classified as Pathogenic. This variant is also known as p.Arg668*. This premature translational stop signal has been observed in individual(s) with congenital glaucoma with anterior segment dysgenesis (PMID: 32274568). This variant is present in population databases (rs200025505, gnomAD 0.01%). This sequence change creates a premature translational stop signal (p.Arg715*) in the CPAMD8 gene. It is expected to result in an absent or disrupted protein product. Loss-of-function variants in CPAMD8 are known to be pathogenic (PMID: 27839872, 29556725).

Juno Genomics, Hangzhou Juno Genomics, Inc
Classification: Pathogenic for Anterior segment dysgenesis 8. Review status: criteria provided, single submitter. Criteria: ACMG Guidelines, 2015. Collection method: clinical testing. Allele origin: germline.
Comment: Absent from controls (or at extremely low frequency if recessive) in Genome Aggregation Database.;Null variant in a gene where loss of function (LOF) is a known mechanism of disease.;For recessive disorders, detected in trans with a pathogenic variant.

Literature cited by the submitters: PubMed 32274568 (cited by Labcorp Genetics (formerly Invitae), Labcorp); PubMed 27839872 (cited by Labcorp Genetics (formerly Invitae), Labcorp); PubMed 29556725 (cited by Labcorp Genetics (formerly Invitae), Labcorp).

NM_015692.5(CPAMD8):c.2002C>T (p.Arg668Ter)

Gene: CPAMD8 (C3 and PZP like alpha-2-macroglobulin domain containing 8; minus strand). Cytogenetic location: 19p13.11.
Variant type: single nucleotide variant.
Coding change: c.2002C>T on transcript NM_015692.5 (MANE Select); coding-DNA position 2002, C replaced by T.
Protein change: p.Arg668Ter; replaces arginine 668 with a stop codon.
Molecular consequence: nonsense. On other transcripts: non-coding transcript variant (1).
Genome position (GRCh38, 1-based): chr19:16,975,165, G>A on the plus strand (C>T on the coding strand, the complement: CPAMD8 is on the minus strand). VCF-style: chr19-16975165-G-A. GRCh37 (hg19) VCF-style: chr19-17085975-G-A.
Other names: short protein forms R668*.
Identifiers: ClinVar variation 2079185 (VCV002079185.7), dbSNP rs200025505, ClinGen allele CA9285482.